The following is an entry in ClinVar:

NM_000075.4(CDK4):c.505A>G (p.Met169Val)

Gene: CDK4 (cyclin dependent kinase 4; minus strand). Cytogenetic location: 12q14.1.
Variant type: single nucleotide variant.
Coding change: c.505A>G on transcript NM_000075.4 (MANE Select); coding-DNA position 505, A replaced by G.
Protein change: p.Met169Val; replaces methionine 169 with valine.
Molecular consequence: missense variant.
Genome position (GRCh38, 1-based): chr12:57,750,940, T>C on the plus strand (A>G on the coding strand, the complement: CDK4 is on the minus strand). VCF-style: chr12-57750940-T-C. GRCh37 (hg19) VCF-style: chr12-58144723-T-C.
Other names: c.505A>G (NM_000075.3); short protein forms M169V.
Identifiers: ClinVar variation 2190059 (VCV002190059.5), dbSNP rs2140386329, ClinGen allele CA385546152.

ClinVar aggregate classification (germline): Uncertain significance. Review status: criteria provided, multiple submitters, no conflicts (2 of 4 stars). 2 submissions from 2 submitters: Uncertain significance (2). Last evaluated 2026-05-26.

Conditions:
Familial melanoma. Also called: Hereditary melanoma; Hereditary cutaneous melanoma. Identifiers: Orphanet 618, MedGen C1512419, MONDO:0018961.
Hereditary cancer-predisposing syndrome. Also called: Tumor predisposition; Hereditary Cancer Syndrome; Hereditary neoplastic syndrome; Neoplastic Syndromes, Hereditary. Identifiers: Orphanet 140162, MedGen C0027672, MeSH D009386, MONDO:0015356.

Allele frequency attached by ClinVar (database versions not stated): gnomAD exomes below 0.00001.

Submissions (2):

Ambry Genetics
Classification: Uncertain significance for Hereditary cancer-predisposing syndrome. Last evaluated: 2026-05-26. Review status: criteria provided, single submitter. Criteria: Ambry Variant Classification Scheme 2023. Collection method: clinical testing. Allele origin: germline.
Comment: The p.M169V variant (also known as c.505A>G), located in coding exon 3 of the CDK4 gene, results from an A to G substitution at nucleotide position 505. The methionine at codon 169 is replaced by valine, an amino acid with highly similar properties. This amino acid position is well conserved in available vertebrate species. In addition, the in silico prediction for this alteration is inconclusive. Based on the available evidence, the clinical significance of this variant remains unclear.

Labcorp Genetics (formerly Invitae), Labcorp
Classification: Uncertain significance for Familial melanoma. Last evaluated: 2023-05-24. Review status: criteria provided, single submitter. Criteria: Invitae Variant Classification Sherloc (09022015). Collection method: clinical testing. Allele origin: germline.
Comment: This variant is not present in population databases (gnomAD no frequency). This sequence change replaces methionine, which is neutral and non-polar, with valine, which is neutral and non-polar, at codon 169 of the CDK4 protein (p.Met169Val). This variant has not been reported in the literature in individuals affected with CDK4-related conditions. In summary, the available evidence is currently insufficient to determine the role of this variant in disease. Therefore, it has been classified as a Variant of Uncertain Significance. Algorithms developed to predict the effect of sequence changes on RNA splicing suggest that this variant may create or strengthen a splice site. Advanced modeling of protein sequence and biophysical properties (such as structural, functional, and spatial information, amino acid conservation, physicochemical variation, residue mobility, and thermodynamic stability) performed at Invitae indicates that this missense variant is not expected to disrupt CDK4 protein function. ClinVar contains an entry for this variant (Variation ID: 2190059).